The following is an entry in ClinVar:

ClinVar aggregate classification (germline): Pathogenic (1 of 4 stars; one submission).

Conditions:
Familial thoracic aortic aneurysm and aortic dissection (TAAD). Also called: Thoracic aortic aneurysms and dissections. Identifiers: Orphanet 91387, MedGen C4707243, MONDO:0019625.
Marfan syndrome (MFS). Also called: MARFAN SYNDROME, TYPE I; Marfan syndrome type 1; Marfan's syndrome; Marfan syndrome, classic; FBN1-Related Marfan Syndrome. Identifiers: Orphanet 284963, Orphanet 558, MedGen C0024796, MONDO:0007947, OMIM 154700.

Allele frequency attached by ClinVar (database versions not stated): TOPMed below 0.00001.

Submission:

Labcorp Genetics (formerly Invitae), Labcorp
Classification: Pathogenic for Marfan syndrome; Familial thoracic aortic aneurysm and aortic dissection. Last evaluated: 2022-08-21. Review status: criteria provided, single submitter. Criteria: Invitae Variant Classification Sherloc (09022015). Collection method: clinical testing. Allele origin: germline.
Comment: For these reasons, this variant has been classified as Pathogenic. This variant affects a cysteine residue in the EGF-like, TGFBP or hybrid motif domains of FBN1. Cysteine residues are believed to be involved in intramolecular disulfide bridges and have been shown to be important for FBN1 protein structure (PMID: 16905551, 19349279). In addition, missense substitutions affecting cysteine residues within these domains are significantly overrepresented among patients with Marfan syndrome (PMID: 16571647, 17701892). Advanced modeling of protein sequence and biophysical properties (such as structural, functional, and spatial information, amino acid conservation, physicochemical variation, residue mobility, and thermodynamic stability) performed at Invitae indicates that this missense variant is expected to disrupt FBN1 protein function. This missense change has been observed in individuals with Marfan syndrome (PMID: 10486319, 17657824). This variant is not present in population databases (gnomAD no frequency). This sequence change replaces cysteine, which is neutral and slightly polar, with arginine, which is basic and polar, at codon 1326 of the FBN1 protein (p.Cys1326Arg).

Literature cited by the submitters: PubMed 16905551; PubMed 19349279; PubMed 16571647; PubMed 17701892; PubMed 10486319; PubMed 17657824.

NM_000138.5(FBN1):c.3976T>C (p.Cys1326Arg)

Gene: FBN1 (fibrillin 1; minus strand). Cytogenetic location: 15q21.1.
Variant type: single nucleotide variant.
Coding change: c.3976T>C on transcript NM_000138.5 (MANE Select); coding-DNA position 3976, T replaced by C.
Protein change: p.Cys1326Arg; replaces cysteine 1326 with arginine.
Molecular consequence: missense variant.
Genome position (GRCh38, 1-based): chr15:48,474,639, A>G on the plus strand (T>C on the coding strand, the complement: FBN1 is on the minus strand). VCF-style: chr15-48474639-A-G. GRCh37 (hg19) VCF-style: chr15-48766836-A-G.
Other names: c.3976T>C, p.Cys1326Arg (NM_001406716.1); short protein forms C1326R.
Identifiers: ClinVar variation 2137695 (VCV002137695.4), dbSNP rs2043405278, ClinGen allele CA392320644.